The following is an entry in ClinVar:

NM_152564.5(VPS13B):c.6747_6752del (p.Gln2250_Val2251del)

Gene: VPS13B (vacuolar protein sorting 13 homolog B; plus strand). Cytogenetic location: 8q22.2.
Variant type: Deletion.
Coding change: c.6747_6752del on transcript NM_152564.5 (MANE Select); coding-DNA positions 6747 to 6752, 6 bases deleted (ACAAGT; older notation c.6747_6752delACAAGT).
Protein change: p.Gln2250_Val2251del.
Molecular consequence: inframe deletion.
Genome position (GRCh38, 1-based): chr8:99,720,434-99,720,439, ACAAGT deleted; deleting any 6 consecutive bases within chr8:99,720,430-99,720,439 gives the same sequence; the c. name uses the placement nearest the transcript's 3' end. VCF-style (leftmost placement, unchanged base first): chr8-99720429-GAAGTAC-G. GRCh37 (hg19) VCF-style: chr8-100732657-GAAGTAC-G.
Other names: c.6822_6827del, p.Gln2275_Val2276del (NM_017890.5).
Identifiers: ClinVar variation 1016639 (VCV001016639.9), dbSNP rs1833089374, ClinGen allele CA2497230365.

ClinVar aggregate classification (germline): Uncertain significance (1 of 4 stars; one submission).

Conditions:
Cohen syndrome (COH1). Also called: PEPPER SYNDROME; Cutis verticis gyrata, retinitis pigmentosa, and sensorineural deafness. Identifiers: Orphanet 193, MedGen C0265223, MONDO:0008999, OMIM 216550.

Submission:

Labcorp Genetics (formerly Invitae), Labcorp
Classification: Uncertain significance for Cohen syndrome. Last evaluated: 2022-02-05. Review status: criteria provided, single submitter. Criteria: Invitae Variant Classification Sherloc (09022015). Collection method: clinical testing. Allele origin: germline.
Comment: In summary, the available evidence is currently insufficient to determine the role of this variant in disease. Therefore, it has been classified as a Variant of Uncertain Significance. Experimental studies and prediction algorithms are not available or were not evaluated, and the functional significance of this variant is currently unknown. ClinVar contains an entry for this variant (Variation ID: 1016639). This variant has not been reported in the literature in individuals affected with VPS13B-related conditions. This variant is not present in population databases (gnomAD no frequency). This variant, c.6822_6827del, results in the deletion of 2 amino acid(s) of the VPS13B protein (p.Gln2275_Val2276del), but otherwise preserves the integrity of the reading frame.